The following is an entry in ClinVar:

NM_024422.6(DSC2):c.142C>T (p.Leu48Phe)

Gene: DSC2 (desmocollin 2; minus strand). Cytogenetic location: 18q12.1.
Variant type: single nucleotide variant.
Coding change: c.142C>T on transcript NM_024422.6 (MANE Select); coding-DNA position 142, C replaced by T.
Protein change: p.Leu48Phe; replaces leucine 48 with phenylalanine.
Molecular consequence: missense variant.
Genome position (GRCh38, 1-based): chr18:31,093,571, G>A on the plus strand (C>T on the coding strand, the complement: DSC2 is on the minus strand). VCF-style: chr18-31093571-G-A. GRCh37 (hg19) VCF-style: chr18-28673534-G-A.
Other names: c.142C>T, p.Leu48Phe (NM_004949.5); short protein forms L48F.
Identifiers: ClinVar variation 410649 (VCV000410649.16), dbSNP rs769776739, ClinGen allele CA031343.
Genomic context (GRCh38, chr18:31,093,571, plus strand): 5'-TGTACCACAGCAAAACAGGATTTATTACAAATTTTAGGGCTTCCTTACCTCTACCAACAA[G>A]TTTCTCGGCATCTAGTTTGGAGGGAACATGTAATGTCACATTTTTGCAGGCATCACTGGC-3'
Protein context (NP_077740.1, residues 38-58): HVPSKLDAEK[Leu48Phe]VGRVNLKECF

ClinVar aggregate classification (germline): Conflicting classifications of pathogenicity. Review status: criteria provided, conflicting classifications (1 of 4 stars). 5 submissions from 5 submitters: Uncertain significance (2); Likely benign (3). Last evaluated 2025-07-29.

Conditions:
Cardiovascular phenotype. Identifiers: MedGen CN230736.
Familial isolated arrhythmogenic right ventricular dysplasia. Identifiers: Orphanet 217656, MedGen C4274968, MONDO:0016342.
Cardiomyopathy (CMYO). Also called: Cardiomyopathies. Identifiers: Orphanet 167848, MedGen C0878544, MONDO:0004994, HP:0001638. Inheritance: Various modes of inheritance.
Arrhythmogenic right ventricular dysplasia 11. Also called: Arrhythmogenic Right Ventricular Dysplasia/Cardiomyopathy11; Arrhythmogenic right ventricular dysplasia 11 with mild palmoplantar keratoderma and woolly hair; ARRHYTHMOGENIC RIGHT VENTRICULAR DYSPLASIA, FAMILIAL, 11. Identifiers: MedGen C1864850, MONDO:0012506, OMIM 610476.

Allele frequency attached by ClinVar (database versions not stated): ExAC 0.00001.
gnomAD v4.1: 9 of 1,604,074 alleles (0.00056%); highest among the groups gnomAD compares: Non-Finnish European, 0.00077%; no homozygotes.

Submissions (5):

Ambry Genetics
Classification: Likely benign for Cardiovascular phenotype. Last evaluated: 2025-07-29. Review status: criteria provided, single submitter. Criteria: Ambry Variant Classification Scheme 2023. Collection method: clinical testing. Allele origin: germline.

Blueprint Genetics
Classification: Uncertain significance. Last evaluated: 2023-10-27. Review status: criteria provided, single submitter. Criteria: ACMG Guidelines, 2015. Collection method: clinical testing. Allele origin: germline.

All of Us Research Program, National Institutes of Health
Classification: Likely benign for Familial isolated arrhythmogenic right ventricular dysplasia. Last evaluated: 2023-05-31. Review status: criteria provided, single submitter. Criteria: ACMG Guidelines, 2015. Collection method: clinical testing. Allele origin: germline. Inheritance: Autosomal dominant inheritance. Observed: 1 variant allele, 1 heterozygote.
Comment: This study involves interpretation of variants in research participants for the purpose of population health screening. Participant phenotype was not available at the time of variant classification. Additional details can be found in publication PMID: 35346344, PMCID: PMC8962531

Labcorp Genetics (formerly Invitae), Labcorp
Classification: Uncertain significance for Arrhythmogenic right ventricular dysplasia 11. Last evaluated: 2022-10-07. Review status: criteria provided, single submitter. Criteria: Invitae Variant Classification Sherloc (09022015). Collection method: clinical testing. Allele origin: germline.
Comment: In summary, the available evidence is currently insufficient to determine the role of this variant in disease. Therefore, it has been classified as a Variant of Uncertain Significance. Advanced modeling of protein sequence and biophysical properties (such as structural, functional, and spatial information, amino acid conservation, physicochemical variation, residue mobility, and thermodynamic stability) performed at Invitae indicates that this missense variant is not expected to disrupt DSC2 protein function. ClinVar contains an entry for this variant (Variation ID: 410649). This variant has not been reported in the literature in individuals affected with DSC2-related conditions. This variant is present in population databases (rs769776739, gnomAD 0.003%). This sequence change replaces leucine, which is neutral and non-polar, with phenylalanine, which is neutral and non-polar, at codon 48 of the DSC2 protein (p.Leu48Phe).

Color Diagnostics, LLC DBA Color Health
Classification: Likely benign for Cardiomyopathy. Last evaluated: 2019-11-04. Review status: criteria provided, single submitter. Criteria: ACMG Guidelines, 2015. Collection method: clinical testing. Allele origin: germline.